The following is an entry in ClinVar:

NM_005475.3(SH2B3):c.1578C>G (p.Phe526Leu)

Gene: SH2B3 (SH2B adaptor protein 3; plus strand). Cytogenetic location: 12q24.12.
Variant type: single nucleotide variant.
Coding change: c.1578C>G on transcript NM_005475.3 (MANE Select); coding-DNA position 1578, C replaced by G.
Protein change: p.Phe526Leu; replaces phenylalanine 526 with leucine.
Molecular consequence: missense variant.
Genome position (GRCh38, 1-based): chr12:111,448,152, C>G. VCF-style: chr12-111448152-C-G. GRCh37 (hg19) VCF-style: chr12-111885956-C-G.
Other names: c.972C>G, p.Phe324Leu (NM_001291424.1); short protein forms F526L, F324L.
Identifiers: ClinVar variation 4164006 (VCV004164006.1).
Genomic context (GRCh38, chr12:111,448,152, plus strand): 5'-TCCCCGGGGGCTCAGCCCAGAGGGTCTCCCAGGGCGATCCTCACCCCCCGAGCAGATCTT[C>G]CACCTGGTGCCTTCGCCCGAAGAACTGGCCAACAGCCTGCAGCACCTGGAGCATGAGCCT-3'
Protein context (NP_005466.1, residues 516-536): PGRSSPPEQI[Phe526Leu]HLVPSPEELA

ClinVar aggregate classification (germline): Uncertain significance (1 of 4 stars; one submission).

Conditions:
Inborn genetic diseases. Identifiers: MedGen C0950123, MeSH D030342.

Submission:

Ambry Genetics
Classification: Uncertain significance for Inborn genetic diseases. Last evaluated: 2025-08-25. Review status: criteria provided, single submitter. Criteria: Ambry Variant Classification Scheme 2023. Collection method: clinical testing. Allele origin: germline.
Comment: The p.F526L variant (also known as c.1578C>G), located in coding exon 7 of the SH2B3 gene, results from a C to G substitution at nucleotide position 1578. The phenylalanine at codon 526 is replaced by leucine, an amino acid with highly similar properties. This amino acid position is conserved. In addition, this alteration is predicted to be tolerated by in silico analysis. Based on the available evidence, the clinical significance of this variant remains unclear.